The following is an entry in ClinVar:

NM_021625.5(TRPV4):c.2433G>C (p.Ser811=)

Gene: TRPV4 (transient receptor potential cation channel subfamily V member 4; minus strand). Cytogenetic location: 12q24.11.
Variant type: single nucleotide variant.
Coding change: c.2433G>C on transcript NM_021625.5 (MANE Select); coding-DNA position 2433, G replaced by C.
Protein change: p.Ser811=; no amino-acid change (serine 811 retained).
Molecular consequence: synonymous variant.
Genome position (GRCh38, 1-based): chr12:109,784,341, C>G on the plus strand (G>C on the coding strand, the complement: TRPV4 is on the minus strand). VCF-style: chr12-109784341-C-G. GRCh37 (hg19) VCF-style: chr12-110222146-C-G.
Other names: p.Ser811=; c.2292G>C, p.Ser764= (NM_001177428.2); c.2331G>C, p.Ser777= (NM_001177431.2); c.2112G>C, p.Ser704= (NM_001177433.2); c.2253G>C, p.Ser751= (NM_147204.3).
Identifiers: ClinVar variation 219845 (VCV000219845.44), dbSNP rs34071623, ClinGen allele CA348949.

ClinVar aggregate classification (germline): Benign/Likely benign. Review status: criteria provided, multiple submitters, no conflicts (2 of 4 stars). 18 submissions from 13 submitters: Benign (15); Likely benign (1). 2 of the submissions do not count toward it. Last evaluated 2026-02-04.

Conditions:
Connective tissue disorder. Also called: Connective tissue disease. Identifiers: MedGen C0009782, MONDO:0003900.
Inborn genetic diseases. Identifiers: MedGen C0950123, MeSH D030342.
Charcot-Marie-Tooth disease. Also called: Charcot-Marie-Tooth Neuropathy; Charcot-Marie-Tooth Hereditary Neuropathy. Identifiers: Orphanet 166, MedGen C0007959, MONDO:0015626.
Scapuloperoneal spinal muscular atrophy (SPSMA). Also called: Scapuloperoneal spinal muscular atrophy, autosomal dominant; AMYOTROPHY, NEUROGENIC SCAPULOPERONEAL, NEW ENGLAND TYPE; Scapuloperoneal Spinal Muscular Atrophy, TRPV4-Related; Scapuloperoneal Form of Spinal Muscular Atrophy. Identifiers: Orphanet 431255, MedGen C0751335, MONDO:0008408, OMIM 181405.
Brachyrachia (short spine dysplasia) (BCYM3). Also called: Brachyolmia Type 3; BRACHYRACHIA; Autosomal dominant brachyolmia; Brachyolmia, TRPV4-Related. Identifiers: Orphanet 93304, MedGen C0432227, MONDO:0007232, OMIM 113500.
Charcot-Marie-Tooth disease axonal type 2C (HMSN2C). Also called: CHARCOT-MARIE-TOOTH DISEASE, AXONAL, AUTOSOMAL DOMINANT, TYPE 2C; Charcot-Marie-Tooth Neuropathy Type 2C; Charcot-Marie-Tooth Disease Type 2, TRPV4-Related (CMT2C). Identifiers: Orphanet 99937, MedGen C1853710, MONDO:0011633, OMIM 606071.
Metatropic dysplasia (MTD). Also called: METATROPIC DWARFISM; Metatropic Dysplasia, TRPV4-Related; Metatropic dysplasia, nonlethal dominant. Identifiers: Orphanet 2635, MedGen C0265281, MONDO:0007986, OMIM 156530.
Spondylometaphyseal dysplasia, Kozlowski type (SMDK). Also called: Spondylometaphyseal Dysplasia, TRPV4-Related (Kozlowski Type); Dysmorphism arthrogryposis skeletal maturation advanced; Jequier-Kozlowski syndrome; Skeletal dysplasia Jequier-Kozlowski type; SMD Kozlowski type. Identifiers: Orphanet 93314, MedGen C0265280, MONDO:0008477, OMIM 184252.
Neuronopathy, distal hereditary motor, autosomal dominant 8. Also called: SPINAL MUSCULAR ATROPHY, CONGENITAL BENIGN, WITH CONTRACTURES; NEURONOPATHY, DISTAL HEREDITARY MOTOR, TYPE VIII; NEUROPATHY, DISTAL HEREDITARY MOTOR, TYPE VIII; Autosomal dominant congenital benign spinal muscular atrophy. Identifiers: Orphanet 1216, MedGen C1838492, MONDO:0010839, OMIM 600175.

Allele frequency attached by ClinVar (database versions not stated): ESP Exome Variant Server 0.00615; gnomAD 0.00673 and 0.00694; TOPMed 0.00675; 1000 Genomes Project 30x 0.00718; 1000 Genomes Project 0.00739.
gnomAD v4.1: 15,113 of 1,614,148 alleles (0.94%); highest among the groups gnomAD compares: South Asian, 2.2%; 140 homozygotes.

Submissions (18):

Labcorp Genetics (formerly Invitae), Labcorp
Classification: Benign for Charcot-Marie-Tooth disease axonal type 2C. Last evaluated: 2026-02-04. Review status: criteria provided, single submitter. Criteria: Invitae Variant Classification Sherloc (09022015). Collection method: clinical testing. Allele origin: germline.

Athena Diagnostics
Classification: Benign. Last evaluated: 2025-10-02. Review status: criteria provided, single submitter. Criteria: Athena Diagnostics Criteria. Collection method: clinical testing. Allele origin: unknown.
Comment: The frequency of this variant in the general population is higher than would generally be expected for pathogenic variants in this gene.

ARUP Laboratories, Molecular Genetics and Genomics, ARUP Laboratories
Classification: Benign. Last evaluated: 2025-07-17. Review status: criteria provided, single submitter. Criteria: ARUP Molecular Germline Variant Investigation Process 2024. Collection method: clinical testing. Allele origin: germline.

Genome Diagnostics Laboratory, The Hospital for Sick Children
Classification: Benign for Connective tissue disorder. Last evaluated: 2022-07-18. Review status: criteria provided, single submitter. Criteria: ACMG Guidelines, 2015. Collection method: clinical testing. Allele origin: germline.

Ambry Genetics
Classification: Likely benign for Inborn genetic diseases. Last evaluated: 2019-07-11. Review status: criteria provided, single submitter. Criteria: Ambry Variant Classification Scheme 2023. Collection method: clinical testing. Allele origin: germline.

Illumina Laboratory Services, Illumina
Classification: Benign for Brachyrachia (short spine dysplasia). Last evaluated: 2018-01-12. Review status: criteria provided, single submitter. Criteria: ICSL Variant Classification Criteria 13 December 2019. Collection method: clinical testing. Allele origin: germline.
Comment: This variant was observed in the ICSL laboratory as part of a predisposition screen in an ostensibly healthy population. It had not been previously curated by ICSL or reported in the Human Gene Mutation Database (HGMD: prior to June 1st, 2018), and was therefore a candidate for classification through an automated scoring system. Utilizing variant allele frequency, disease prevalence and penetrance estimates, and inheritance mode, an automated score was calculated to assess if this variant is too frequent to cause the disease. Based on the score and internal cut-off values, a variant classified as benign is not then subjected to further curation. The score for this variant resulted in a classification of benign for this disease.

Illumina Laboratory Services, Illumina
Classification: Benign for Metatropic dysplasia. Last evaluated: 2018-01-12. Review status: criteria provided, single submitter. Criteria: ICSL Variant Classification Criteria 13 December 2019. Collection method: clinical testing. Allele origin: germline.
Comment: the same text as in the submission from Illumina Laboratory Services, Illumina above.

Illumina Laboratory Services, Illumina
Classification: Benign for Scapuloperoneal spinal muscular atrophy. Last evaluated: 2018-01-12. Review status: criteria provided, single submitter. Criteria: ICSL Variant Classification Criteria 13 December 2019. Collection method: clinical testing. Allele origin: germline.
Comment: the same text as in the submission from Illumina Laboratory Services, Illumina above.

Illumina Laboratory Services, Illumina
Classification: Benign for Charcot-Marie-Tooth disease axonal type 2C. Last evaluated: 2018-01-12. Review status: criteria provided, single submitter. Criteria: ICSL Variant Classification Criteria 13 December 2019. Collection method: clinical testing. Allele origin: germline.
Comment: the same text as in the submission from Illumina Laboratory Services, Illumina above.

Illumina Laboratory Services, Illumina
Classification: Benign for Spondylometaphyseal dysplasia, Kozlowski type. Last evaluated: 2018-01-12. Review status: criteria provided, single submitter. Criteria: ICSL Variant Classification Criteria 13 December 2019. Collection method: clinical testing. Allele origin: germline.
Comment: the same text as in the submission from Illumina Laboratory Services, Illumina above.

Illumina Laboratory Services, Illumina
Classification: Benign for Neuronopathy, distal hereditary motor, autosomal dominant 8. Last evaluated: 2018-01-12. Review status: criteria provided, single submitter. Criteria: ICSL Variant Classification Criteria 13 December 2019. Collection method: clinical testing. Allele origin: germline.
Comment: the same text as in the submission from Illumina Laboratory Services, Illumina above.

Mayo Clinic Laboratories, Mayo Clinic
Classification: Benign. Last evaluated: 2016-06-09. Review status: criteria provided, single submitter. Criteria: ACMG Guidelines, 2015. Collection method: clinical testing. Allele origin: germline. Observed: 37 variant alleles.

GeneDx
Classification: Benign. Last evaluated: 2015-03-03. Review status: criteria provided, single submitter. Criteria: GeneDx Variant Classification Process June 2021. Collection method: clinical testing. Allele origin: germline. Affected: yes.

Breakthrough Genomics
Classification: Benign. Review status: criteria provided, single submitter. Criteria: ACMG Guidelines, 2015. Collection method: not provided. Allele origin: germline. Inheritance: Autosomal dominant inheritance. Affected: yes.

Molecular Genetics Laboratory, London Health Sciences Centre
Classification: Benign for Charcot-Marie-Tooth disease. Review status: criteria provided, single submitter. Criteria: ACMG Guidelines, 2015. Collection method: clinical testing. Allele origin: germline. Affected: yes.

PreventionGenetics, part of Exact Sciences
Classification: Benign. Review status: criteria provided, single submitter. Criteria: ACMG Guidelines, 2015. Collection method: clinical testing. Allele origin: germline.

Clinical Genetics, Academic Medical Center
Classification: Benign. Review status: no assertion criteria provided. Collection method: clinical testing. Allele origin: germline. Affected: yes. Study: VKGL Data-share Consensus. Not counted in ClinVar's aggregate classification.

Joint Genome Diagnostic Labs from Nijmegen and Maastricht, Radboudumc and MUMC+
Classification: Likely benign. Review status: no assertion criteria provided. Collection method: clinical testing. Allele origin: germline. Affected: yes. Study: VKGL Data-share Consensus. Not counted in ClinVar's aggregate classification.

Literature cited by the submitters: PubMed 22851605 (cited by Athena Diagnostics).